The following is an entry in ClinVar:

ClinVar aggregate classification (germline): Uncertain significance (1 of 4 stars; one submission).

Conditions:
Episodic ataxia type 2 (EA2). Also called: CEREBELLAR ATAXIA, PAROXYSMAL, ACETAZOLAMIDE-RESPONSIVE; CEREBELLOPATHY, HEREDITARY PAROXYSMAL; EPISODIC ATAXIA, NYSTAGMUS-ASSOCIATED; ACETAZOLAMIDE-RESPONSIVE HEREDITARY PAROXYSMAL CEREBELLAR ATAXIA; ATAXIA, EPISODIC, WITH NYSTAGMUS; ATAXIA, FAMILIAL PAROXYSMAL. Identifiers: Orphanet 97, MedGen C1720416, MONDO:0007163, OMIM 108500.
Developmental and epileptic encephalopathy, 42 (DEE42A). Also called: Epileptic encephalopathy, early infantile, 42; DEVELOPMENTAL AND EPILEPTIC ENCEPHALOPATHY 42A; EPILEPTIC ENCEPHALOPATHY, EARLY INFANTILE, 42A. Identifiers: MedGen C4310716, MONDO:0014917, OMIM 617106.

Allele frequency attached by ClinVar (database versions not stated): gnomAD exomes below 0.00001.
gnomAD v4.1: 1 of 1,608,856 alleles (0.000062%); highest among the groups gnomAD compares: Non-Finnish European, 0.000085%; no homozygotes.

Submission:

Labcorp Genetics (formerly Invitae), Labcorp
Classification: Uncertain significance for Developmental and epileptic encephalopathy, 42; Episodic ataxia type 2. Last evaluated: 2023-11-27. Review status: criteria provided, single submitter. Criteria: Invitae Variant Classification Sherloc (09022015). Collection method: clinical testing. Allele origin: germline.
Comment: This sequence change replaces glutamic acid, which is acidic and polar, with lysine, which is basic and polar, at codon 797 of the CACNA1A protein (p.Glu797Lys). This variant is not present in population databases (gnomAD no frequency). This variant has not been reported in the literature in individuals affected with CACNA1A-related conditions. Advanced modeling of protein sequence and biophysical properties (such as structural, functional, and spatial information, amino acid conservation, physicochemical variation, residue mobility, and thermodynamic stability) performed at Invitae indicates that this missense variant is not expected to disrupt CACNA1A protein function with a negative predictive value of 95%. In summary, the available evidence is currently insufficient to determine the role of this variant in disease. Therefore, it has been classified as a Variant of Uncertain Significance.

NM_001127222.2(CACNA1A):c.2386G>A (p.Glu796Lys)

Gene: CACNA1A (calcium voltage-gated channel subunit alpha1 A; minus strand). Cytogenetic location: 19p13.13.
Variant type: single nucleotide variant.
Coding change: c.2386G>A on transcript NM_001127222.2 (MANE Select); coding-DNA position 2386, G replaced by A.
Protein change: p.Glu796Lys; replaces glutamic acid 796 with lysine.
Molecular consequence: missense variant.
Genome position (GRCh38, 1-based): chr19:13,299,247, C>T on the plus strand (G>A on the coding strand, the complement: CACNA1A is on the minus strand). VCF-style: chr19-13299247-C-T. GRCh37 (hg19) VCF-style: chr19-13410061-C-T.
Other names: c.2398G>A, p.Glu800Lys (NM_000068.4, NM_023035.3); c.2389G>A, p.Glu797Lys (NM_001127221.2, NM_001174080.2); short protein forms E797K, E796K, E800K.
Identifiers: ClinVar variation 2932745 (VCV002932745.3), dbSNP rs2512910504, ClinGen allele CA404343564.
Genomic context (GRCh38, chr19:13,299,247, plus strand): 5'-TCATGTCTGGCCGCAGGTGCCGCGTGTAGGCAGCCTTCCAGCGCTCGTCCGGGTCCATTT[C>T]GTTATACAGGGCCTCCCGGCTGGCCAGCAAGTTCTGCTTTCGCATCTCACTGGTCCGCTG-3'
Protein context (NP_001120694.1, residues 786-806): LLASREALYN[Glu796Lys]MDPDERWKAA